The following is an entry in ClinVar:

ClinVar aggregate classification (germline): Uncertain significance (1 of 4 stars; one submission).

Conditions:
Immunodeficiency 39 (IMD39). Identifiers: Orphanet 574918, MedGen C4225358, MONDO:0014597, OMIM 616345.

Allele frequency attached by ClinVar (database versions not stated): gnomAD exomes 0.00001.

Submission:

Labcorp Genetics (formerly Invitae), Labcorp
Classification: Uncertain significance for Immunodeficiency 39. Last evaluated: 2022-10-26. Review status: criteria provided, single submitter. Criteria: Invitae Variant Classification Sherloc (09022015). Collection method: clinical testing. Allele origin: germline.
Comment: This sequence change replaces alanine, which is neutral and non-polar, with valine, which is neutral and non-polar, at codon 516 of the IRF7 protein (p.Ala516Val). In summary, the available evidence is currently insufficient to determine the role of this variant in disease. Therefore, it has been classified as a Variant of Uncertain Significance. This variant is present in population databases (no rsID available, gnomAD 0.01%). This variant has not been reported in the literature in individuals affected with IRF7-related conditions. Algorithms developed to predict the effect of missense changes on protein structure and function output the following: SIFT: "Tolerated"; PolyPhen-2: "Probably Damaging"; Align-GVGD: "Class C0". The valine amino acid residue is found in multiple mammalian species, which suggests that this missense change does not adversely affect protein function.

NM_001572.5(IRF7):c.1508C>T (p.Ala503Val)

Gene: IRF7 (interferon regulatory factor 7; minus strand). Cytogenetic location: 11p15.5.
Variant type: single nucleotide variant.
Coding change: c.1508C>T on transcript NM_001572.5 (MANE Select); coding-DNA position 1508, C replaced by T.
Protein change: p.Ala503Val; replaces alanine 503 with valine.
Molecular consequence: missense variant.
Genome position (GRCh38, 1-based): chr11:612,649, G>A on the plus strand (C>T on the coding strand, the complement: IRF7 is on the minus strand). VCF-style: chr11-612649-G-A. GRCh37 (hg19) VCF-style: chr11-612649-G-A.
Other names: c.1421C>T, p.Ala474Val (NM_004029.4); c.1547C>T, p.Ala516Val (NM_004031.4); short protein forms A503V, A516V, A474V.
Identifiers: ClinVar variation 2131432 (VCV002131432.4), dbSNP rs1444359880, ClinGen allele CA378975185.